The following is an entry in ClinVar:

ClinVar aggregate classification (germline): Likely benign (1 of 4 stars; one submission).

Submission:

CeGaT Center for Human Genetics Tuebingen
Classification: Likely benign. Last evaluated: 2023-04-01. Review status: criteria provided, single submitter. Criteria: CeGaT Center For Human Genetics Tuebingen Variant Classification Criteria Version 2. Collection method: clinical testing. Allele origin: germline. Affected: yes. Observed: 2 variant alleles.
Comment: RIPK1: BS2

NM_001354930.2(RIPK1):c.915+1166_915+1196del

Gene: RIPK1 (receptor interacting serine/threonine kinase 1; plus strand). Cytogenetic location: 6p25.2.
Variant type: Deletion.
Coding change: c.915+1166_915+1196del on transcript NM_001354930.2 (MANE Select); bases 1166 to 1196 of the intron after coding-DNA position 915, 31 bases deleted.
Molecular consequence: intron variant.
Genome position (GRCh38, 1-based): chr6:3,090,823-3,090,853, 31 bases deleted; deleting any 31 consecutive bases within chr6:3,090,796-3,090,853 gives the same sequence; the c. name uses the placement nearest the transcript's 3' end. GRCh37 (hg19): chr6:3,091,057-3,091,087.
Other names: c.426+1166_426+1196del (NM_001317061.3, NM_001354932.2, NM_001354934.2 and 1 more transcripts); c.915+1166_915+1196del (NM_003804.6); c.777+1166_777+1196del (NM_001354931.2).
Identifiers: ClinVar variation 2656181 (VCV002656181.24), dbSNP rs1561762952, ClinGen allele CA565043819.